The following is an entry in ClinVar:

NM_000202.8(IDS):c.361C>A (p.Gln121Lys)

Gene: IDS (iduronate 2-sulfatase; minus strand). Cytogenetic location: Xq28.
Variant type: single nucleotide variant.
Coding change: c.361C>A on transcript NM_000202.8 (MANE Select); coding-DNA position 361, C replaced by A.
Protein change: p.Gln121Lys; replaces glutamine 121 with lysine.
Molecular consequence: missense variant. On other transcripts: non-coding transcript variant (1).
Genome position (GRCh38, 1-based): chrX:149,503,369, G>T on the plus strand (C>A on the coding strand, the complement: IDS is on the minus strand). VCF-style: chrX-149503369-G-T. GRCh37 (hg19) VCF-style: chrX-148584899-G-T.
Other names: c.91C>A, p.Gln31Lys (NM_001166550.4); c.361C>A, p.Gln121Lys (NM_006123.5); short protein forms Q121K, Q31K.
Identifiers: ClinVar variation 3255686 (VCV003255686.2).

ClinVar aggregate classification (germline): Likely pathogenic (1 of 4 stars; one submission).

Conditions:
Mucopolysaccharidosis, MPS-II (MPS2). Also called: Hunter Syndrome; IDURONATE 2-SULFATASE DEFICIENCY; Mucopolysaccharidosis Type II; Mucopolysaccharidosis type 2; Attenuated MPS (subtype; formerly known as mild MPS II); Severe MPS II. Identifiers: Orphanet 580, Orphanet 79388, MedGen C0026705, MONDO:0010674, OMIM 309900.

Submission:

Laboratory of Diagnosis and Therapy of Lysosomal Disorders, University of Padova
Classification: Likely pathogenic for Mucopolysaccharidosis, MPS-II. Last evaluated: 2024-06-07. Review status: criteria provided, single submitter. Criteria: ACMG Guidelines, 2015. Collection method: literature only. Allele origin: germline. Affected: yes. Observed: 1 variant allele.
Comment: Absent from controls (or at low frequency) in gnomAD database (PM2_Moderate), Missense variant in a gene with a low rate of benign missense variation (PP2_Supporting), Multiple lines of computational evidence support a deleterious effect (PP3_Supporting), Patient’s phenotype or family history highly specific for the disease (PP4_Strong)

Classification method: ACMG Guidelines [PMID:25741868] with modifications

Literature cited by the submitters: PubMed 36945845.